The following is an entry in ClinVar:

ClinVar aggregate classification (germline): Uncertain significance (1 of 4 stars; one submission).

Submission:

GeneDx
Classification: Uncertain significance. Last evaluated: 2025-11-05. Review status: criteria provided, single submitter. Criteria: GeneDx Variant Classification Process June 2021. Collection method: clinical testing. Allele origin: germline.
Comment: Not observed at significant frequency in large population cohorts (gnomAD); In silico analysis supports that this missense variant has a deleterious effect on protein structure/function; Has not been previously published as pathogenic or benign to our knowledge

NM_006421.5(ARFGEF1):c.1448A>G (p.Gln483Arg)

Gene: ARFGEF1 (ARF guanine nucleotide exchange factor 1; minus strand). Cytogenetic location: 8q13.2.
Variant type: single nucleotide variant.
Coding change: c.1448A>G on transcript NM_006421.5 (MANE Select); coding-DNA position 1448, A replaced by G.
Protein change: p.Gln483Arg; replaces glutamine 483 with arginine.
Molecular consequence: missense variant. On other transcripts: non-coding transcript variant (1).
Genome position (GRCh38, 1-based): chr8:67,271,826, T>C on the plus strand (A>G on the coding strand, the complement: ARFGEF1 is on the minus strand). VCF-style: chr8-67271826-T-C. GRCh37 (hg19) VCF-style: chr8-68184061-T-C.
Other names: c.1448A>G, p.Gln483Arg (NM_001413184.1, NM_001413185.1, NM_001413186.1 and 7 more transcripts); c.848A>G, p.Gln283Arg (NM_001413188.1, NM_001413193.1, NM_001413197.1); c.23A>G, p.Gln8Arg (NM_001413196.1); short protein forms Q283R, Q483R, Q8R.
Identifiers: ClinVar variation 3893528 (VCV003893528.2).